The following is an entry in ClinVar:

NM_152564.5(VPS13B):c.5753G>A (p.Arg1918Gln)

Gene: VPS13B (vacuolar protein sorting 13 homolog B; plus strand). Cytogenetic location: 8q22.2.
Variant type: single nucleotide variant.
Coding change: c.5753G>A on transcript NM_152564.5 (MANE Select); coding-DNA position 5753, G replaced by A.
Protein change: p.Arg1918Gln; replaces arginine 1918 with glutamine.
Molecular consequence: missense variant.
Genome position (GRCh38, 1-based): chr8:99,642,343, G>A. VCF-style: chr8-99642343-G-A. GRCh37 (hg19) VCF-style: chr8-100654571-G-A.
Other names: c.5828G>A, p.Arg1943Gln (NM_017890.5); short protein forms R1943Q, R1918Q.
Identifiers: ClinVar variation 2081359 (VCV002081359.1), dbSNP rs904742773, ClinGen allele CA183013637.

ClinVar aggregate classification (germline): Uncertain significance (1 of 4 stars; one submission).

Conditions:
Cohen syndrome (COH1). Also called: PEPPER SYNDROME; Cutis verticis gyrata, retinitis pigmentosa, and sensorineural deafness. Identifiers: Orphanet 193, MedGen C0265223, MONDO:0008999, OMIM 216550.

Allele frequency attached by ClinVar (database versions not stated): gnomAD exomes below 0.00001; TOPMed below 0.00001.
gnomAD v4.1: 4 of 1,614,138 alleles (0.00025%); highest among the groups gnomAD compares: Non-Finnish European, 0.00025%; no homozygotes.

Submission:

Labcorp Genetics (formerly Invitae), Labcorp
Classification: Uncertain significance for Cohen syndrome. Last evaluated: 2022-07-08. Review status: criteria provided, single submitter. Criteria: Invitae Variant Classification Sherloc (09022015). Collection method: clinical testing. Allele origin: germline.
Comment: This sequence change replaces arginine, which is basic and polar, with glutamine, which is neutral and polar, at codon 1943 of the VPS13B protein (p.Arg1943Gln). This variant is not present in population databases (gnomAD no frequency). This variant has not been reported in the literature in individuals affected with VPS13B-related conditions. Algorithms developed to predict the effect of missense changes on protein structure and function are either unavailable or do not agree on the potential impact of this missense change (SIFT: "Not Available"; PolyPhen-2: "Possibly Damaging"; Align-GVGD: "Not Available"). In summary, the available evidence is currently insufficient to determine the role of this variant in disease. Therefore, it has been classified as a Variant of Uncertain Significance.